The following is an entry in ClinVar:

NM_152743.4(BRAT1):c.1682T>C (p.Val561Ala)

Gene: BRAT1 (BRCA1 associated ATM activator 1; minus strand). Cytogenetic location: 7p22.3.
Variant type: single nucleotide variant.
Coding change: c.1682T>C on transcript NM_152743.4 (MANE Select); coding-DNA position 1682, T replaced by C.
Protein change: p.Val561Ala; replaces valine 561 with alanine.
Molecular consequence: missense variant. On other transcripts: non-coding transcript variant (1).
Genome position (GRCh38, 1-based): chr7:2,539,267, A>G on the plus strand (T>C on the coding strand, the complement: BRAT1 is on the minus strand). VCF-style: chr7-2539267-A-G. GRCh37 (hg19) VCF-style: chr7-2578901-A-G.
Other names: c.1682T>C, p.Val561Ala (NM_001350626.2); c.1157T>C, p.Val386Ala (NM_001350627.2); short protein forms V561A, V386A.
Identifiers: ClinVar variation 567429 (VCV000567429.8), dbSNP rs764820035, ClinGen allele CA4127630.
Genomic context (GRCh38, chr7:2,539,267, plus strand): 5'-GTGGGGGCGTGCAGGCCCTGGCTGGACAGCTGCCCCATGGCGGTCACTGCACTCGCTCGG[A>G]CATAACTCTCAGGGTCCTGGAGGAGCTGCAGGGCCAGCTGAGGCACCTCTGAAGCCAAGA-3'
Protein context (NP_689956.2, residues 551-571): LQLLQDPESY[Val561Ala]RASAVTAMGQ

ClinVar aggregate classification (germline): Uncertain significance. Review status: criteria provided, multiple submitters, no conflicts (2 of 4 stars). 2 submissions from 2 submitters: Uncertain significance (2). Last evaluated 2023-08-23.

Conditions:
Neonatal-onset encephalopathy with rigidity and seizures. Also called: Lethal neonatal spasticity-epileptic encephalopathy syndrome. Identifiers: Orphanet 435845, MedGen C3281029, MONDO:0013784, OMIM 614498.

Allele frequency attached by ClinVar (database versions not stated): gnomAD exomes 0.00001 and 0.00002; ExAC 0.00002; TOPMed 0.00003.

Submissions (2):

Blueprint Genetics
Classification: Uncertain significance. Last evaluated: 2023-08-23. Review status: criteria provided, single submitter. Criteria: ACMG Guidelines, 2015. Collection method: clinical testing. Allele origin: germline.

Labcorp Genetics (formerly Invitae), Labcorp
Classification: Uncertain significance for Neonatal-onset encephalopathy with rigidity and seizures. Last evaluated: 2022-03-08. Review status: criteria provided, single submitter. Criteria: Invitae Variant Classification Sherloc (09022015). Collection method: clinical testing. Allele origin: germline.
Comment: This sequence change replaces valine, which is neutral and non-polar, with alanine, which is neutral and non-polar, at codon 561 of the BRAT1 protein (p.Val561Ala). This variant is present in population databases (rs764820035, gnomAD 0.004%). This variant has not been reported in the literature in individuals affected with BRAT1-related conditions. ClinVar contains an entry for this variant (Variation ID: 567429). Algorithms developed to predict the effect of missense changes on protein structure and function (SIFT, PolyPhen-2, Align-GVGD) all suggest that this variant is likely to be disruptive. In summary, the available evidence is currently insufficient to determine the role of this variant in disease. Therefore, it has been classified as a Variant of Uncertain Significance.